The following is an entry in ClinVar:

NM_000138.5(FBN1):c.4480C>T (p.Pro1494Ser)

Gene: FBN1 (fibrillin 1; minus strand). Cytogenetic location: 15q21.1.
Variant type: single nucleotide variant.
Coding change: c.4480C>T on transcript NM_000138.5 (MANE Select); coding-DNA position 4480, C replaced by T.
Protein change: p.Pro1494Ser; replaces proline 1494 with serine.
Molecular consequence: missense variant.
Genome position (GRCh38, 1-based): chr15:48,468,514, G>A on the plus strand (C>T on the coding strand, the complement: FBN1 is on the minus strand). VCF-style: chr15-48468514-G-A. GRCh37 (hg19) VCF-style: chr15-48760711-G-A.
Other names: short protein forms P1494S.
Identifiers: ClinVar variation 926276 (VCV000926276.5), dbSNP rs2043341698, ClinGen allele CA392353769.

ClinVar aggregate classification (germline): Uncertain significance (1 of 4 stars; one submission).

Conditions:
Familial thoracic aortic aneurysm and aortic dissection (TAAD). Also called: Thoracic aortic aneurysms and dissections. Identifiers: Orphanet 91387, MedGen C4707243, MONDO:0019625.

Submission:

Color Diagnostics, LLC DBA Color Health
Classification: Uncertain significance for Familial thoracic aortic aneurysm and aortic dissection. Last evaluated: 2023-12-05. Review status: criteria provided, single submitter. Criteria: ACMG Guidelines, 2015. Collection method: clinical testing. Allele origin: germline.
Comment: This missense variant replaces proline with serine at codon 1494 of the FBN1 protein. Computational prediction tools and conservation analyses are inconclusive regarding the impact of this variant on the protein function. Computational splicing tools suggest that this variant may not impact RNA splicing. To our knowledge, functional assays have not been performed for this variant nor has this variant been reported in individuals affected with cardiovascular disorders in the literature. This variant has not been identified in the general population by the Genome Aggregation Database (gnomAD). Available evidence is insufficient to determine the role of this variant in disease conclusively. Therefore, this variant is classified as a Variant of Uncertain Significance.